The following is an entry in ClinVar:

ClinVar aggregate classification (germline): Uncertain significance. Review status: criteria provided, multiple submitters, no conflicts (2 of 4 stars). 3 submissions from 3 submitters: Uncertain significance (3). Last evaluated 2025-08-01.

Conditions:
Familial thoracic aortic aneurysm and aortic dissection (TAAD). Also called: Thoracic aortic aneurysms and dissections. Identifiers: Orphanet 91387, MedGen C4707243, MONDO:0019625.

Submissions (3):

Ambry Genetics
Classification: Uncertain significance for Familial thoracic aortic aneurysm and aortic dissection. Last evaluated: 2025-08-01. Review status: criteria provided, single submitter. Criteria: Ambry Variant Classification Scheme 2023. Collection method: clinical testing. Allele origin: germline.
Comment: The p.V373M variant (also known as c.1117G>A), located in coding exon 6 of the TGFBR1 gene, results from a G to A substitution at nucleotide position 1117. The valine at codon 373 is replaced by methionine, an amino acid with highly similar properties. This variant was reported in individual(s) with features consistent with TGFBR1-related Loeys-Dietz syndrome (external communication, Ambry internal data). This amino acid position is conserved. In addition, the in silico prediction for this alteration is inconclusive. Based on the available evidence, the clinical significance of this variant remains unclear.

Labcorp Genetics (formerly Invitae), Labcorp
Classification: Uncertain significance for Familial thoracic aortic aneurysm and aortic dissection. Last evaluated: 2024-04-22. Review status: criteria provided, single submitter. Criteria: Invitae Variant Classification Sherloc (09022015). Collection method: clinical testing. Allele origin: germline.
Comment: This sequence change replaces valine, which is neutral and non-polar, with methionine, which is neutral and non-polar, at codon 373 of the TGFBR1 protein (p.Val373Met). This variant is not present in population databases (gnomAD no frequency). This missense change has been observed in individual(s) with clinical features of TGFBR1-related conditions (Invitae). ClinVar contains an entry for this variant (Variation ID: 496262). Advanced modeling of protein sequence and biophysical properties (such as structural, functional, and spatial information, amino acid conservation, physicochemical variation, residue mobility, and thermodynamic stability) performed at Invitae indicates that this missense variant is expected to disrupt TGFBR1 protein function with a positive predictive value of 80%. In summary, the available evidence is currently insufficient to determine the role of this variant in disease. Therefore, it has been classified as a Variant of Uncertain Significance.

Women's Health and Genetics/Laboratory Corporation of America, LabCorp
Classification: Uncertain significance. Last evaluated: 2017-03-21. Review status: criteria provided, single submitter. Criteria: LabCorp Variant Classification Summary - May 2015. Collection method: clinical testing. Allele origin: germline.
Comment: Variant summary: The TGFBR1 c.1117G>A (p.Val373Met) variant located in the protein kinase-like domain (via InterPro) involves the alteration of a conserved nucleotide and 3/4 in silico tools (SNPs&GO not captured due to low reliability index) predict a damaging outcome, although these predictions have yet to be functionally assessed. for this variant. This variant is absent from the large control database ExAC (0/121100 control chromosomes). To our knowledge, the variant of interest has not been reported in affected individuals via publications and/or reputable databases/clinical diagnostic laboratories, nor has it been evaluated for functional impact by in vivo/vitro studies. Because of the absence of clinical information and the lack of functional studies, the variant is classified as a "Variant of Uncertain Significance (VUS)," until additional information becomes available.

NM_004612.4(TGFBR1):c.1117G>A (p.Val373Met)

Gene: TGFBR1 (transforming growth factor beta receptor 1; plus strand). Cytogenetic location: 9q22.33.
Variant type: single nucleotide variant.
Coding change: c.1117G>A on transcript NM_004612.4 (MANE Select); coding-DNA position 1117, G replaced by A.
Protein change: p.Val373Met; replaces valine 373 with methionine.
Molecular consequence: missense variant.
Genome position (GRCh38, 1-based): chr9:99,144,875, G>A. VCF-style: chr9-99144875-G-A. GRCh37 (hg19) VCF-style: chr9-101907157-G-A.
Other names: c.886G>A, p.Val296Met (NM_001130916.3); c.1129G>A, p.Val377Met (NM_001306210.2); short protein forms V373M, V377M, V296M.
Identifiers: ClinVar variation 496262 (VCV000496262.13), dbSNP rs1554701926, ClinGen allele CA374231743.